The following is an entry in ClinVar:

NM_000094.4(COL7A1):c.8329C>T (p.Arg2777Ter)

Gene: COL7A1 (collagen type VII alpha 1 chain; minus strand). Cytogenetic location: 3p21.31.
Variant type: single nucleotide variant.
Coding change: c.8329C>T on transcript NM_000094.4 (MANE Select); coding-DNA position 8329, C replaced by T.
Protein change: p.Arg2777Ter; replaces arginine 2777 with a stop codon.
Molecular consequence: nonsense.
Genome position (GRCh38, 1-based): chr3:48,566,539, G>A on the plus strand (C>T on the coding strand, the complement: COL7A1 is on the minus strand). VCF-style: chr3-48566539-G-A. GRCh37 (hg19) VCF-style: chr3-48603972-G-A.
Other names: short protein forms R2777*.
Identifiers: ClinVar variation 265081 (VCV000265081.15), dbSNP rs886039330, ClinGen allele CA10588364.

ClinVar aggregate classification (germline): Pathogenic/Likely pathogenic. Review status: criteria provided, multiple submitters, no conflicts (2 of 4 stars). 7 submissions from 7 submitters: Pathogenic (5); Likely pathogenic (1). 1 of the submissions does not count toward it. Last evaluated 2025-03-23.

Conditions:
Epidermolysis bullosa dystrophica. Also called: Dystrophic epidermolysis bullosa, Hallopeau-Siemens type (formerly); Dystrophic epidermolysis bullosa. Identifiers: Orphanet 303, MedGen C0079294, MONDO:0006543.
Recessive dystrophic epidermolysis bullosa (RDEB). Also called: Hallopeau-Siemens Disease; severe generalized recessive dystrophic epidermolysis bullosa; epidermolysis bullosa dystrophica, autosomal recessive; DYSTROPHIC EPIDERMOLYSIS BULLOSA, AUTOSOMAL RECESSIVE; Epidermolysis Bullosa Distrophica Autosomal Recessive (RDEB); EPIDERMOLYSIS BULLOSA DYSTROPHICA, HALLOPEAU-SIEMENS TYPE. Identifiers: Orphanet 79408, Orphanet 79409, MedGen C0079474, MONDO:0009179, OMIM 226600.
Transient bullous dermolysis of the newborn (TBDN). Also called: DYSTROPHIC EPIDERMOLYSIS BULLOSA, NEONATAL; EPIDERMOLYSIS BULLOSA DYSTROPHICA, NEONATAL FORM. Identifiers: Orphanet 79411, MedGen C1851573, MONDO:0007548, OMIM 131705.
Epidermolysis bullosa pruriginosa. Also called: DEB, PRURIGINOSA; DYSTROPHIC EPIDERMOLYSIS BULLOSA PRURIGINOSA. Identifiers: Orphanet 89843, MedGen C1275114, MONDO:0011398, OMIM 604129.
Generalized dominant dystrophic epidermolysis bullosa (DDEB). Also called: DDEB, generalized; DDEB-gen; DYSTROPHIC EPIDERMOLYSIS BULLOSA, AUTOSOMAL DOMINANT; Epidermolysis bullosa dystrophica, autosomal dominant; Dominant DEB (DDEB). Identifiers: Orphanet 231568, MedGen C0432322, MONDO:0007549, OMIM 131750.
Pretibial dystrophic epidermolysis bullosa. Also called: Pretibial blistering; EPIDERMOLYSIS BULLOSA DYSTROPHICA, PRETIBIAL; Pretibial epidermolysis bullosa. Identifiers: Orphanet 79410, MedGen C0432321, MONDO:0007552, OMIM 131850, HP:0012221.
Dominant dystrophic epidermolysis bullosa with absence of skin. Also called: EPIDERMOLYSIS BULLOSA DYSTROPHICA, BART TYPE; EPIDERMOLYSIS BULLOSA WITH CONGENITAL LOCALIZED ABSENCE OF SKIN AND DEFORMITY OF NAILS. Identifiers: MedGen C0268371, MONDO:0007557, OMIM 132000.
Nonsyndromic congenital nail disorder 8. Also called: TOENAIL DYSTROPHY, ISOLATED. Identifiers: MedGen C1843761, MONDO:0011852, OMIM 607523.

Allele frequency attached by ClinVar (database versions not stated): gnomAD exomes below 0.00001; TOPMed 0.00001.
gnomAD v4.1: 7 of 1,613,982 alleles (0.00043%); highest among the groups gnomAD compares: South Asian, 0.0011%; no homozygotes.

Submissions (7):

Myriad Genetics, Inc.
Classification: Pathogenic for Recessive dystrophic epidermolysis bullosa. Last evaluated: 2025-03-23. Review status: criteria provided, single submitter. Criteria: Myriad Autosomal Dominant, Autosomal Recessive and X-Linked Classification Criteria (2023). Collection method: clinical testing. Allele origin: unknown.
Comment: NM_000094.3(COL7A1):c.8329C>T(R2777*) is expected to be pathogenic in the context of dystrophic epidermolysis bullosa. This variant is predicted to lead to an abnormal or absent protein product due to the creation of a premature termination codon in COL7A1, a gene where loss-of-function variants are known to be pathogenic. Please note: this variant was assessed in the context of healthy population screening.

Fulgent Genetics
Classification: Pathogenic for Transient bullous dermolysis of the newborn; Generalized dominant dystrophic epidermolysis bullosa; Pretibial dystrophic epidermolysis bullosa; Dominant dystrophic epidermolysis bullosa with absence of skin; Recessive dystrophic epidermolysis bullosa; Epidermolysis bullosa pruriginosa; Nonsyndromic congenital nail disorder 8. Last evaluated: 2024-02-07. Review status: criteria provided, single submitter. Criteria: ACMG Guidelines, 2015. Collection method: clinical testing. Allele origin: germline.

Neuberg Centre For Genomic Medicine, NCGM
Classification: Likely pathogenic for Transient bullous dermolysis of the newborn. Last evaluated: 2023-07-22. Review status: criteria provided, single submitter. Criteria: ACMG Guidelines, 2015. Collection method: clinical testing. Allele origin: germline. Inheritance: Autosomal recessive inheritance. Affected: yes.
Comment: The observed stop gained variant c.8329C>Tp.Arg2777Ter in COL7A1 gene has been reported in an individual with Dystrophic epidermolysis bullosa Kern JS, et al., 2009. The p.Arg2777Ter variant is absent in gnomAD Exomes. It has been submitted to ClinVar as Pathogenic multiple submissions. However, study on multiple affected individuals and functional impact of the variant is not available. The nucleotide change c.8329C>T in COL7A1 is predicted as conserved by GERP++ and PhyloP across 100 vertebrates. Computational evidence Mutation Taster - Disease causing predicts damaging effect on protein structure and function for this variant. This variant is predicted to cause loss of normal protein function through protein truncation. Loss of function variants have been previously reported to be disease causing Varki R, et al., 2007. For these reasons, this variant has been classified as Likely Pathogenic.

Labcorp Genetics (formerly Invitae), Labcorp
Classification: Pathogenic. Last evaluated: 2023-05-27. Review status: criteria provided, single submitter. Criteria: Invitae Variant Classification Sherloc (09022015). Collection method: clinical testing. Allele origin: germline.
Comment: This premature translational stop signal has been observed in individual(s) with dystrophic epidermolysis bullosa (PMID: 19681861, 22209565). This variant is not present in population databases (gnomAD no frequency). This sequence change creates a premature translational stop signal (p.Arg2777*) in the COL7A1 gene. It is expected to result in an absent or disrupted protein product. Loss-of-function variants in COL7A1 are known to be pathogenic (PMID: 16971478). ClinVar contains an entry for this variant (Variation ID: 265081). For these reasons, this variant has been classified as Pathogenic.

Revvity Omics, Revvity
Classification: Pathogenic. Last evaluated: 2019-11-15. Review status: criteria provided, single submitter. Criteria: ACMG Guidelines, 2015. Collection method: clinical testing. Allele origin: germline.

GeneDx
Classification: Pathogenic. Last evaluated: 2016-01-05. Review status: criteria provided, single submitter. Criteria: GeneDx Variant Classification (06012015). Collection method: clinical testing. Allele origin: germline. Affected: yes.
Comment: The R2777X pathogenic variant in the COL7A1 gene has been reported previously in association with autosomal recessive DEB (Kern et al., 2009). This variant is predicted to cause loss of normal protein function either through protein truncation or nonsense-mediated mRNA decay. The R2777X variant was not observed in approximately 6500 individuals of European and African American ancestry in the NHLBI Exome Sequencing Project, indicating it is not a common benign variant in these populations. We interpret R2777X as a pathogenic variant.

Natera, Inc.
Classification: Pathogenic for Dystrophic epidermolysis bullosa. Last evaluated: 2021-08-23. Review status: no assertion criteria provided. Collection method: clinical testing. Allele origin: germline. Not counted in ClinVar's aggregate classification.

Literature cited by the submitters: PubMed 19681861 (cited by Labcorp Genetics (formerly Invitae), Labcorp); PubMed 22209565 (cited by Labcorp Genetics (formerly Invitae), Labcorp); PubMed 16971478 (cited by Labcorp Genetics (formerly Invitae), Labcorp).